The following is an entry in ClinVar:

NM_001205254.2(OCLN):c.1016_1017del (p.Glu339fs)

Gene: OCLN (occludin; plus strand). Cytogenetic location: 5q13.2.
Variant type: Microsatellite.
Coding change: c.1016_1017del on transcript NM_001205254.2 (MANE Select); coding-DNA positions 1016 to 1017, 2 bases deleted (AG; older notation c.1016_1017delAG).
Protein change: p.Glu339fs; shifts the reading frame from glutamic acid 339.
Molecular consequence: frameshift variant.
Genome position (GRCh38, 1-based): chr5:69,534,818-69,534,819, AG deleted; deleting any 2 consecutive bases within chr5:69,534,816-69,534,819 gives the same sequence; the c. name uses the placement nearest the transcript's 3' end. VCF-style (leftmost placement, unchanged base first): chr5-69534815-CAG-C. GRCh37 (hg19) VCF-style: chr5-68830642-CAG-C.
Other names: c.261_262AG[1], p.Glu88Valfs (NM_001205255.2); c.854_855del, p.Glu285fs (NM_001410743.1); c.1016_1017del, p.Glu339fs (NM_002538.4); short protein forms E339fs, E88fs, E285fs.
Identifiers: ClinVar variation 503999 (VCV000503999.2), dbSNP rs1303392945, ClinGen allele CA658796534.
Genomic context (GRCh38, chr5:69,534,815, plus strand): 5'-GAGTTGACAGTCCCATGGCATACTCTTCCAATGGCAAAGTGAATGACAAGCGGTTTTATC[CAG>C]AGTCTTCCTATAAATCCACGCCGTAAGTAGCATCTCTCTTAGTTTGATAGACTGAGTGTA-3'

ClinVar aggregate classification (germline): Pathogenic (1 of 4 stars; one submission).

Submission:

GeneDx
Classification: Pathogenic. Last evaluated: 2018-01-19. Review status: criteria provided, single submitter. Criteria: GeneDx Variant Classification (06012015). Collection method: clinical testing. Allele origin: germline. Affected: yes.
Comment: The c.1016_1017delAG variant in the OCLN gene has not been reported previously as a pathogenic variant nor as a benign variant, to our knowledge. The c.1016_1017delAG variant causes a frameshift starting with codon Glutamic acid 339, changes this amino acid to a Valine residue, and creates a premature Stop codon at position 4 of the new reading frame, denoted p.Glu339ValfsX4. This variant is predicted to cause loss of normal protein function either through protein truncation or nonsense-mediated mRNA decay. The c.1016_1017delAG variant is not observed in large population cohorts (Lek et al., 2016). We interpret c.1016_1017delAG as a pathogenic variant.